The following is an entry in ClinVar:

ClinVar aggregate classification (germline): Likely benign (1 of 4 stars; one submission).

Submission:

GeneDx
Classification: Likely benign. Last evaluated: 2016-07-13. Review status: criteria provided, single submitter. Criteria: GeneDx Variant Classification (06012015). Collection method: clinical testing. Allele origin: germline. Affected: yes.
Comment: This variant is considered likely benign or benign based on one or more of the following criteria: it is a conservative change, it occurs at a poorly conserved position in the protein, it is predicted to be benign by multiple in silico algorithms, and/or has population frequency not consistent with disease.

NM_001379110.1(SLC9A6):c.1195-4T>G

Gene: SLC9A6 (solute carrier family 9 member A6; plus strand). Cytogenetic location: Xq26.3.
Variant type: single nucleotide variant.
Coding change: c.1195-4T>G on transcript NM_001379110.1 (MANE Select); 4 bases into the intron before coding-DNA position 1195, T replaced by G.
Molecular consequence: intron variant.
Genome position (GRCh38, 1-based): chrX:136,022,582, T>G. VCF-style: chrX-136022582-T-G. GRCh37 (hg19) VCF-style: chrX-135104741-T-G.
Other names: c.1351-4T>G (NM_001042537.2); c.1255-4T>G (NM_006359.3); c.1195-4T>G (NM_001177651.2); c.1099-4T>G (NM_001330652.2).
Identifiers: ClinVar variation 387471 (VCV000387471.1), dbSNP rs1057522798, ClinGen allele CA16608749.